The following is an entry in ClinVar:

NM_181882.3(PRX):c.16C>T (p.Arg6Trp)

Gene: PRX (periaxin; minus strand). Cytogenetic location: 19q13.2.
Variant type: single nucleotide variant.
Coding change: c.16C>T on transcript NM_181882.3 (MANE Select); coding-DNA position 16, C replaced by T.
Protein change: p.Arg6Trp; replaces arginine 6 with tryptophan.
Molecular consequence: missense variant.
Genome position (GRCh38, 1-based): chr19:40,407,917, G>A on the plus strand (C>T on the coding strand, the complement: PRX is on the minus strand). VCF-style: chr19-40407917-G-A. GRCh37 (hg19) VCF-style: chr19-40913824-G-A.
Other names: c.16C>T, p.Arg6Trp (NM_020956.2); short protein forms R6W.
Identifiers: ClinVar variation 938919 (VCV000938919.9), dbSNP rs759056060, ClinGen allele CA9444628.

ClinVar aggregate classification (germline): Uncertain significance. Review status: criteria provided, multiple submitters, no conflicts (2 of 4 stars). 2 submissions from 2 submitters: Uncertain significance (2). Last evaluated 2022-02-03.

Conditions:
Charcot-Marie-Tooth disease type 4. Also called: Charcot-Marie-Tooth, Type 4; Charcot-Marie-Tooth disease, type IV. Identifiers: Orphanet 64749, MedGen C4082197, MONDO:0018995.
Inborn genetic diseases. Identifiers: MedGen C0950123, MeSH D030342.

Allele frequency attached by ClinVar (database versions not stated): ExAC 0.00001; TOPMed 0.00001; gnomAD exomes 0.00002.
gnomAD v4.1: 13 of 1,613,516 alleles (0.00081%); highest among the groups gnomAD compares: Admixed American, 0.0067%; no homozygotes.

Submissions (2):

Labcorp Genetics (formerly Invitae), Labcorp
Classification: Uncertain significance for Charcot-Marie-Tooth disease type 4. Last evaluated: 2022-02-03. Review status: criteria provided, single submitter. Criteria: Invitae Variant Classification Sherloc (09022015). Collection method: clinical testing. Allele origin: germline.
Comment: This variant is present in population databases (rs759056060, gnomAD 0.009%). This sequence change replaces arginine, which is basic and polar, with tryptophan, which is neutral and slightly polar, at codon 6 of the PRX protein (p.Arg6Trp). This variant has not been reported in the literature in individuals affected with PRX-related conditions. In summary, the available evidence is currently insufficient to determine the role of this variant in disease. Therefore, it has been classified as a Variant of Uncertain Significance. Algorithms developed to predict the effect of missense changes on protein structure and function are either unavailable or do not agree on the potential impact of this missense change (SIFT: "Deleterious"; PolyPhen-2: "Not Available"; Align-GVGD: "Class C0"). ClinVar contains an entry for this variant (Variation ID: 938919).

Ambry Genetics
Classification: Uncertain significance for Inborn genetic diseases. Last evaluated: 2020-08-14. Review status: criteria provided, single submitter. Criteria: Ambry Variant Classification Scheme 2023. Collection method: clinical testing. Allele origin: germline.
Comment: The p.R6W variant (also known as c.16C>T), located in coding exon 1 of the PRX gene, results from a C to T substitution at nucleotide position 16. The arginine at codon 6 is replaced by tryptophan, an amino acid with dissimilar properties. This amino acid position is well conserved in available vertebrate species. In addition, this alteration is predicted to be tolerated by in silico analysis. Since supporting evidence is limited at this time, the clinical significance of this alteration remains unclear.